The following is an entry in ClinVar:

NM_003659.4(AGPS):c.1798-312T>G

Gene: AGPS (alkylglycerone phosphate synthase; plus strand). Cytogenetic location: 2q31.2.
Variant type: single nucleotide variant.
Coding change: c.1798-312T>G on transcript NM_003659.4 (MANE Select); 312 bases into the intron before coding-DNA position 1798, T replaced by G.
Molecular consequence: intron variant.
Genome position (GRCh38, 1-based): chr2:177,523,436, T>G. VCF-style: chr2-177523436-T-G. GRCh37 (hg19) VCF-style: chr2-178388164-T-G.
Identifiers: ClinVar variation 683780 (VCV000683780.1), dbSNP rs16865328, ClinGen allele CA11260737.

ClinVar aggregate classification (germline): Benign (1 of 4 stars; one submission).

Allele frequency attached by ClinVar (database versions not stated): gnomAD 0.07686 and 0.08327; TOPMed 0.08197; 1000 Genomes Project 30x 0.12071; 1000 Genomes Project 0.12680.
gnomAD v4.1: 12,778 of 152,270 alleles (8.4%); highest among the groups gnomAD compares: East Asian, 36%; 867 homozygotes.

Submission:

GeneDx
Classification: Benign. Last evaluated: 2018-06-19. Review status: criteria provided, single submitter. Criteria: GeneDx Variant Classification (06012015). Collection method: clinical testing. Allele origin: germline. Affected: yes.
Comment: This variant is considered likely benign or benign based on one or more of the following criteria: it is a conservative change, it occurs at a poorly conserved position in the protein, it is predicted to be benign by multiple in silico algorithms, and/or has population frequency not consistent with disease.